The following is an entry in ClinVar:

ClinVar aggregate classification (germline): Pathogenic (1 of 4 stars; one submission).

Conditions:
Hereditary cancer-predisposing syndrome. Also called: Hereditary Cancer Syndrome; Neoplastic Syndromes, Hereditary; Tumor predisposition; Hereditary neoplastic syndrome. Identifiers: Orphanet 140162, MedGen C0027672, MeSH D009386, MONDO:0015356.

Submission:

Ambry Genetics
Classification: Pathogenic for Hereditary cancer-predisposing syndrome. Last evaluated: 2016-01-12. Review status: criteria provided, single submitter. Criteria: Ambry Variant Classification Scheme 2023. Collection method: clinical testing. Allele origin: germline.
Comment: The c.454delG pathogenic mutation, located in coding exon 4 of the ATM gene, results from a deletion of one nucleotide at nucleotide position 454, causing a translational frameshift with a predicted alternate stop codon. Since frameshifts are typically deleterious in nature, this alteration is interpreted as a disease-causing mutation (ACMG Recommendations for Standards for Interpretation and Reporting of Sequence Variations. Revision 2007. Genet Med. 2008;10:294).

NM_000051.4(ATM):c.454del (p.Ser151_Val152insTer)

Gene: ATM (ATM serine/threonine kinase; plus strand). Cytogenetic location: 11q22.3.
Variant type: Deletion.
Coding change: c.454del on transcript NM_000051.4 (MANE Select); coding-DNA position 454, one base deleted (G; older notation c.454delG).
Protein change: p.Ser151_Val152insTer.
Molecular consequence: nonsense.
Genome position (GRCh38, 1-based): chr11:108,235,792, G deleted. VCF-style (leftmost placement, unchanged base first): chr11-108235791-TG-T. GRCh37 (hg19) VCF-style: chr11-108106518-TG-T.
Other names: c.454del, p.Ser151_Val152insTer (NM_001351834.2); c.454delG (NM_000051.3).
Identifiers: ClinVar variation 481209 (VCV000481209.5), dbSNP rs1555059421, ClinGen allele CA658656158.